The following is an entry in ClinVar:

ClinVar aggregate classification (germline): Uncertain significance (1 of 4 stars; one submission).

Submission:

Women's Health and Genetics/Laboratory Corporation of America, LabCorp
Classification: Uncertain significance. Last evaluated: 2018-11-09. Review status: criteria provided, single submitter. Criteria: LabCorp Variant Classification Summary - May 2015. Collection method: clinical testing. Allele origin: germline.
Comment: Variant summary: ATP8A2 c.2449_2451delCTC (p.Leu817del) results in an in-frame deletion that is predicted to remove one amino acid from the encoded protein. The variant was absent in 246036 control chromosomes. The available data on variant occurrences in the general population are insufficient to allow any conclusion about variant significance. To our knowledge, no occurrence of c.2449_2451delCTC in individuals affected with Cerebellar ataxia, mental retardation, and dysequilibrium syndrome 4 and no experimental evidence demonstrating its impact on protein function have been reported. No clinical diagnostic laboratories have submitted clinical-significance assessments for this variant to ClinVar after 2014. Based on the evidence outlined above, the variant was classified as uncertain significance.

NM_016529.6(ATP8A2):c.2449_2451del (p.Leu817del)

Gene: ATP8A2 (ATPase phospholipid transporting 8A2). Cytogenetic location: 13q12.13.
Variant type: Deletion.
Coding change: c.2449_2451del on transcript NM_016529.6 (MANE Select); coding-DNA positions 2449 to 2451, 3 bases deleted.
Protein change: p.Leu817del; deletes leucine 817.
Molecular consequence: inframe deletion.
Genome position: GRCh38 VCF-style: chr13-25769108-CCCT-C. GRCh37 (hg19) VCF-style: chr13-26343246-CCCT-C.
Other names: c.2329_2331del, p.Leu777del (NM_001313741.1); short protein forms L817del, L777del.
Identifiers: ClinVar variation 633076 (VCV000633076.1), dbSNP rs1566119701, ClinGen allele CA913190316.